The following is an entry in ClinVar:

NM_001079872.2(CUL4B):c.63A>T (p.Arg21Ser)

Genes: CUL4B (cullin 4B; minus strand), LOC113845788 (Sharpr-MPRA regulatory region 11856; plus strand). Cytogenetic location: Xq24.
Variant type: single nucleotide variant.
Coding change: c.63A>T on transcript NM_001079872.2 (MANE Select); coding-DNA position 63, A replaced by T.
Protein change: p.Arg21Ser; replaces arginine 21 with serine.
Molecular consequence: missense variant.
Genome position (GRCh38, 1-based): chrX:120,560,576, T>A on the plus strand (A>T on the coding strand, the complement: CUL4B is on the minus strand). VCF-style: chrX-120560576-T-A. GRCh37 (hg19) VCF-style: chrX-119694431-T-A.
Other names: c.78A>T, p.Arg26Ser (NM_001330624.2); c.117A>T, p.Arg39Ser (NM_003588.4); short protein forms R39S, R21S, R26S.
Identifiers: ClinVar variation 465137 (VCV000465137.9), dbSNP rs757541076, ClinGen allele CA10505743.

ClinVar aggregate classification (germline): Uncertain significance (1 of 4 stars; one submission).

Conditions:
X-linked intellectual disability Cabezas type (MRXSC). Also called: CABEZAS SYNDROME; MENTAL RETARDATION, X-LINKED, SYNDROMIC 15; Intellectual developmental disorder, X-linked syndromic, Cabezas type. Identifiers: Orphanet 85289, Orphanet 85293, MedGen C1845861, MONDO:0010306, OMIM 300354.

Allele frequency attached by ClinVar (database versions not stated): gnomAD exomes 0.00001 and 0.00002; TOPMed below 0.00001; ExAC 0.00001.
gnomAD v4.1: 4 of 1,208,586 alleles (0.00033%); highest among the groups gnomAD compares: Admixed American, 0.0087%; no homozygotes.

Submission:

Labcorp Genetics (formerly Invitae), Labcorp
Classification: Uncertain significance for X-linked intellectual disability Cabezas type. Last evaluated: 2025-06-01. Review status: criteria provided, single submitter. Criteria: Invitae Variant Classification Sherloc (09022015). Collection method: clinical testing. Allele origin: germline.
Comment: This sequence change replaces arginine, which is basic and polar, with serine, which is neutral and polar, at codon 39 of the CUL4B protein (p.Arg39Ser). This variant is present in population databases (rs757541076, gnomAD 0.01%). This variant has not been reported in the literature in individuals affected with CUL4B-related conditions. ClinVar contains an entry for this variant (Variation ID: 465137). Invitae Evidence Modeling of protein sequence and biophysical properties (such as structural, functional, and spatial information, amino acid conservation, physicochemical variation, residue mobility, and thermodynamic stability) indicates that this missense variant is not expected to disrupt CUL4B protein function with a negative predictive value of 95%. In summary, the available evidence is currently insufficient to determine the role of this variant in disease. Therefore, it has been classified as a Variant of Uncertain Significance.